The following is an entry in ClinVar:

ClinVar aggregate classification (germline): Uncertain significance. Review status: criteria provided, multiple submitters, no conflicts (2 of 4 stars). 2 submissions from 2 submitters: Uncertain significance (2). Last evaluated 2025-03-22.

Conditions:
Inborn genetic diseases. Identifiers: MedGen C0950123, MeSH D030342.

Submissions (2):

Ambry Genetics
Classification: Uncertain significance for Inborn genetic diseases. Last evaluated: 2025-03-22. Review status: criteria provided, single submitter. Criteria: Ambry Variant Classification Scheme 2023. Collection method: clinical testing. Allele origin: germline.
Comment: The p.P146L variant (also known as c.437C>T), located in coding exon 4 of the G6PC3 gene, results from a C to T substitution at nucleotide position 437. The proline at codon 146 is replaced by leucine, an amino acid with similar properties. This amino acid position is conserved. In addition, this alteration is predicted to be deleterious by in silico analysis. Based on the available evidence, the clinical significance of this variant remains unclear.

Blueprint Genetics
Classification: Uncertain significance. Last evaluated: 2020-11-10. Review status: criteria provided, single submitter. Criteria: ACMG Guidelines, 2015. Collection method: clinical testing. Allele origin: germline.

NM_138387.4(G6PC3):c.437C>T (p.Pro146Leu)

Gene: G6PC3 (glucose-6-phosphatase catalytic subunit 3; plus strand). Cytogenetic location: 17q21.31.
Variant type: single nucleotide variant.
Coding change: c.437C>T on transcript NM_138387.4 (MANE Select); coding-DNA position 437, C replaced by T.
Protein change: p.Pro146Leu; replaces proline 146 with leucine.
Molecular consequence: missense variant. On other transcripts: intron variant (1).
Genome position (GRCh38, 1-based): chr17:44,074,989, C>T. VCF-style: chr17-44074989-C-T. GRCh37 (hg19) VCF-style: chr17-42152357-C-T.
Other names: c.92C>T, p.Pro31Leu (NM_001384165.1, NM_001384166.1, NM_001384167.1 and 1 more transcripts); c.416+219C>T (NM_001319945.2); short protein forms P146L, P31L.
Identifiers: ClinVar variation 4027563 (VCV004027563.2).